The following is an entry in ClinVar:

NM_001201539.2(ARSF):c.1443T>A (p.Ala481=)

Gene: ARSF (arylsulfatase F; plus strand). Cytogenetic location: Xp22.33.
Variant type: single nucleotide variant.
Coding change: c.1443T>A on transcript NM_001201539.2 (MANE Select); coding-DNA position 1443, T replaced by A.
Protein change: p.Ala481=; no amino-acid change (alanine 481 retained).
Molecular consequence: synonymous variant.
Genome position (GRCh38, 1-based): chrX:3,112,226, T>A. VCF-style: chrX-3112226-T-A. GRCh37 (hg19) VCF-style: chrX-3030267-T-A.
Other names: c.1443T>A, p.Ala481= (NM_001201538.2, NM_004042.5).
Identifiers: ClinVar variation 3041861 (VCV003041861.2), dbSNP rs2518537446, ClinGen allele CA515364080.

ClinVar aggregate classification (germline): Likely benign (0 of 4 stars; one submission).

Conditions:
ARSF-related disorder. Also called: ARSF-related condition.

Submission:

PreventionGenetics, part of Exact Sciences
Classification: Likely benign for ARSF-related condition. Last evaluated: 2019-08-08. Review status: no assertion criteria provided. Collection method: clinical testing. Allele origin: germline.
Comment: This variant is classified as likely benign based on ACMG/AMP sequence variant interpretation guidelines (Richards et al. 2015 PMID: 25741868, with internal and published modifications).